The following is an entry in ClinVar:

ClinVar aggregate classification (germline): Uncertain significance (1 of 4 stars; one submission).

Conditions:
Hereditary sensory and autonomic neuropathy type 7. Also called: Neuropathy, hereditary sensory and autonomic, type VII; HSAN VII. Identifiers: Orphanet 391397, MedGen C3809882, MONDO:0014244, OMIM 615548.
Familial episodic pain syndrome with predominantly lower limb involvement. Also called: Episodic pain syndrome, familial, 3. Identifiers: Orphanet 391384, Orphanet 391392, MedGen C3809899, MONDO:0014247, OMIM 615552.

Allele frequency attached by ClinVar (database versions not stated): ExAC 0.00002; gnomAD 0.00002; gnomAD exomes 0.00002; TOPMed 0.00003.
gnomAD v4.1: 34 of 1,612,794 alleles (0.0021%); highest among the groups gnomAD compares: Non-Finnish European, 0.0022%; no homozygotes.

Submission:

Labcorp Genetics (formerly Invitae), Labcorp
Classification: Uncertain significance for Familial episodic pain syndrome with predominantly lower limb involvement; Hereditary sensory and autonomic neuropathy type 7. Last evaluated: 2025-12-09. Review status: criteria provided, single submitter. Criteria: Invitae Variant Classification Sherloc (09022015). Collection method: clinical testing. Allele origin: germline.
Comment: This sequence change replaces isoleucine, which is neutral and non-polar, with valine, which is neutral and non-polar, at codon 1293 of the SCN11A protein (p.Ile1293Val). The frequency data for this variant in the population databases is considered unreliable, as metrics indicate poor data quality at this position in the gnomAD database. This missense change has been observed in individual(s) with late onset of erythromelalgia-like pain and signs of small fiber neuropathy (PMID: 27781142). ClinVar contains an entry for this variant (Variation ID: 474724). Invitae Evidence Modeling of protein sequence and biophysical properties (such as structural, functional, and spatial information, amino acid conservation, physicochemical variation, residue mobility, and thermodynamic stability) indicates that this missense variant is not expected to disrupt SCN11A protein function with a negative predictive value of 80%. In summary, the available evidence is currently insufficient to determine the role of this variant in disease. Therefore, it has been classified as a Variant of Uncertain Significance.

Literature cited by the submitters: PubMed 27781142.

NM_001349253.2(SCN11A):c.3877A>G (p.Ile1293Val)

Gene: SCN11A (sodium voltage-gated channel alpha subunit 11; minus strand). Cytogenetic location: 3p22.2.
Variant type: single nucleotide variant.
Coding change: c.3877A>G on transcript NM_001349253.2 (MANE Select); coding-DNA position 3877, A replaced by G.
Protein change: p.Ile1293Val; replaces isoleucine 1293 with valine.
Molecular consequence: missense variant.
Genome position (GRCh38, 1-based): chr3:38,867,395, T>C on the plus strand (A>G on the coding strand, the complement: SCN11A is on the minus strand). VCF-style: chr3-38867395-T-C. GRCh37 (hg19) VCF-style: chr3-38908886-T-C.
Other names: c.3877A>G, p.Ile1293Val (NM_014139.3); short protein forms I1293V.
Identifiers: ClinVar variation 474724 (VCV000474724.5), dbSNP rs761590329, ClinGen allele CA2321667.